The following is an entry in ClinVar:

NM_030662.4(MAP2K2):c.419A>C (p.Asp140Ala)

Gene: MAP2K2 (mitogen-activated protein kinase kinase 2; minus strand). Cytogenetic location: 19p13.3.
Variant type: single nucleotide variant.
Coding change: c.419A>C on transcript NM_030662.4 (MANE Select); coding-DNA position 419, A replaced by C.
Protein change: p.Asp140Ala; replaces aspartic acid 140 with alanine.
Molecular consequence: missense variant.
Genome position (GRCh38, 1-based): chr19:4,110,540, T>G on the plus strand (A>C on the coding strand, the complement: MAP2K2 is on the minus strand). VCF-style: chr19-4110540-T-G. GRCh37 (hg19) VCF-style: chr19-4110538-T-G.
Other names: short protein forms D140A.
Identifiers: ClinVar variation 1721610 (VCV001721610.5), dbSNP rs2145069708, ClinGen allele CA403391312.
Genomic context (GRCh38, chr19:4,110,540, plus strand): 5'-GCCCCTGCCCCTGCCCCGGACGCACTCACCATGTGTTCCATGCAAATGCTGATCTCCCCG[T>G]CACTGTAGAAGGCCCCGTAGAAGCCCACGATGTACGGCGAGTTGCATTCGTGCAGGACCT-3'
Protein context (NP_109587.1, residues 130-150): IVGFYGAFYS[Asp140Ala]GEISICMEHM

ClinVar aggregate classification (germline): Uncertain significance (1 of 4 stars; one submission).

Conditions:
RASopathy. Also called: rasopathies; Noonan spectrum disorder. Identifiers: Orphanet 536391, MedGen C5555857, MONDO:0021060.

Submission:

Labcorp Genetics (formerly Invitae), Labcorp
Classification: Uncertain significance for RASopathy. Last evaluated: 2024-07-29. Review status: criteria provided, single submitter. Criteria: Invitae Variant Classification Sherloc (09022015). Collection method: clinical testing. Allele origin: germline.
Comment: This sequence change replaces aspartic acid, which is acidic and polar, with alanine, which is neutral and non-polar, at codon 140 of the MAP2K2 protein (p.Asp140Ala). This variant is not present in population databases (gnomAD no frequency). This variant has not been reported in the literature in individuals affected with MAP2K2-related conditions. ClinVar contains an entry for this variant (Variation ID: 1721610). Advanced modeling of protein sequence and biophysical properties (such as structural, functional, and spatial information, amino acid conservation, physicochemical variation, residue mobility, and thermodynamic stability) performed at Invitae indicates that this missense variant is expected to disrupt MAP2K2 protein function with a positive predictive value of 95%. In summary, the available evidence is currently insufficient to determine the role of this variant in disease. Therefore, it has been classified as a Variant of Uncertain Significance.